The following is an entry in ClinVar:

ClinVar aggregate classification (germline): Uncertain significance (1 of 4 stars; one submission).

Conditions:
Inborn genetic diseases. Identifiers: MedGen C0950123, MeSH D030342.

gnomAD v4.1: 16 of 1,202,051 alleles (0.0013%); highest among the groups gnomAD compares: Non-Finnish European, 0.0017%; no homozygotes.

Submission:

Ambry Genetics
Classification: Uncertain significance for Inborn genetic diseases. Last evaluated: 2026-04-11. Review status: criteria provided, single submitter. Criteria: Ambry Variant Classification Scheme 2023. Collection method: clinical testing. Allele origin: germline.
Comment: The c.3642A>C (p.K1214N) alteration is located in exon 25 (coding exon 25) of the SMC1A gene. This alteration results from a A to C substitution at nucleotide position 3642, causing the lysine (K) at amino acid position 1214 to be replaced by an asparagine (N). Based on data from gnomAD, the C allele has an overall frequency of 0.005% (1/21461) total alleles studied. The highest observed frequency was 0.009% (1/10624) of European (non-Finnish) alleles. Based on insufficient or conflicting evidence, the clinical significance of this alteration remains unclear.

NM_006306.4(SMC1A):c.3642A>C (p.Lys1214Asn)

Gene: SMC1A (structural maintenance of chromosomes 1A; minus strand). Cytogenetic location: Xp11.22.
Variant type: single nucleotide variant.
Coding change: c.3642A>C on transcript NM_006306.4 (MANE Select); coding-DNA position 3642, A replaced by C.
Protein change: p.Lys1214Asn; replaces lysine 1214 with asparagine.
Molecular consequence: missense variant.
Genome position (GRCh38, 1-based): chrX:53,380,163, T>G on the plus strand (A>C on the coding strand, the complement: SMC1A is on the minus strand). VCF-style: chrX-53380163-T-G. GRCh37 (hg19) VCF-style: chrX-53407084-T-G.
Other names: c.3576A>C, p.Lys1192Asn (NM_001281463.1); short protein forms K1192N, K1214N.
Identifiers: ClinVar variation 4864881 (VCV004864881.1).